The following is an entry in ClinVar:

ClinVar aggregate classification (germline): Uncertain significance (1 of 4 stars; one submission).

Submission:

Labcorp Genetics (formerly Invitae), Labcorp
Classification: Uncertain significance. Last evaluated: 2025-02-15. Review status: criteria provided, single submitter. Criteria: Invitae Variant Classification Sherloc (09022015). Collection method: clinical testing. Allele origin: germline.
Comment: This sequence change replaces glycine, which is neutral and non-polar, with arginine, which is basic and polar, at codon 136 of the PDYN protein (p.Gly136Arg). This variant is present in population databases (rs748707770, gnomAD 0.007%). This variant has not been reported in the literature in individuals affected with PDYN-related conditions. Invitae Evidence Modeling of protein sequence and biophysical properties (such as structural, functional, and spatial information, amino acid conservation, physicochemical variation, residue mobility, and thermodynamic stability) indicates that this missense variant is not expected to disrupt PDYN protein function with a negative predictive value of 80%. In summary, the available evidence is currently insufficient to determine the role of this variant in disease. Therefore, it has been classified as a Variant of Uncertain Significance.

NM_024411.5(PDYN):c.406G>A (p.Gly136Arg)

Genes: PDYN (prodynorphin; minus strand), PDYN-AS1 (PDYN antisense RNA 1; plus strand). Cytogenetic location: 20p13.
Variant type: single nucleotide variant.
Coding change: c.406G>A on transcript NM_024411.5 (MANE Select); coding-DNA position 406, G replaced by A.
Protein change: p.Gly136Arg; replaces glycine 136 with arginine.
Molecular consequence: missense variant.
Genome position (GRCh38, 1-based): chr20:1,980,682, C>T on the plus strand (G>A on the coding strand, the complement: PDYN is on the minus strand). VCF-style: chr20-1980682-C-T. GRCh37 (hg19) VCF-style: chr20-1961328-C-T.
Other names: c.406G>A, p.Gly136Arg (NM_001190892.1, NM_001190898.3, NM_001190899.2 and 1 more transcripts); short protein forms G136R.
Identifiers: ClinVar variation 4777053 (VCV004777053.1).